The following is an entry in ClinVar:

ClinVar aggregate classification (germline): Likely pathogenic (1 of 4 stars; one submission).

Conditions:
Hereditary cancer-predisposing syndrome. Also called: Neoplastic Syndromes, Hereditary; Tumor predisposition; Hereditary Cancer Syndrome; Hereditary neoplastic syndrome. Identifiers: Orphanet 140162, MedGen C0027672, MeSH D009386, MONDO:0015356.

Submission:

Ambry Genetics
Classification: Likely pathogenic for Hereditary cancer-predisposing syndrome. Last evaluated: 2025-08-06. Review status: criteria provided, single submitter. Criteria: Ambry Variant Classification Scheme 2023. Collection method: clinical testing. Allele origin: germline.
Comment: The c.1388_1389insALU likely pathogenic variant results from the insertion of an Alu element between nucleotides 1388 and 1389 in coding exon 9 of the BRCA1 gene. Mobile element insertions contribute to pathogenicity by either disrupting the coding sequence or inducing aberrant splicing (Belancio VP et al. Semin. Cancer Biol. 2010 Aug;20:200-10; Deininger P et al. Genome Biol. 2011 Dec;12:236; van der Klift HM Hum Mutat. 2012 Jul;33(7):1051-5). Based on the majority of available evidence to date, this variant is likely to be pathogenic.

NM_007294.3:c.1388_1389insALU

Gene: BRCA1 (BRCA1 DNA repair associated; minus strand).
Variant type: Insertion.
Identifiers: ClinVar variation 4215094 (VCV004215094.1).